The following is an entry in ClinVar:

NM_145649.5(GCNT2):c.926-34957G>A

Gene: GCNT2 (glucosaminyl (N-acetyl) transferase 2 (I blood group); plus strand). Cytogenetic location: 6p24.3.
Variant type: single nucleotide variant.
Coding change: c.926-34957G>A on transcript NM_145649.5 (MANE Select); 34957 bases into the intron before coding-DNA position 926, G replaced by A.
Molecular consequence: intron variant. On other transcripts: synonymous variant (1).
Genome position (GRCh38, 1-based): chr6:10,586,394, G>A. VCF-style: chr6-10586394-G-A. GRCh37 (hg19) VCF-style: chr6-10586627-G-A.
Other names: c.405G>A, p.Glu135= (NM_145655.4); c.926-34957G>A (NM_001374747.1); c.919+29052G>A (NM_001491.3).
Identifiers: ClinVar variation 4985571 (VCV004985571.1).

ClinVar aggregate classification (germline): Likely benign (1 of 4 stars; one submission).

Conditions:
GCNT2-related disorder. Also called: GCNT2-related condition.

gnomAD v4.1: 8 of 1,614,066 alleles (0.0005%); highest among the groups gnomAD compares: East Asian, 0.0067%; no homozygotes.

Submission:

PreventionGenetics, part of Exact Sciences
Classification: Likely benign for GCNT2-related condition. Last evaluated: 2025-08-13. Review status: criteria provided, single submitter. Criteria: ACMG Guidelines, 2015. Collection method: clinical testing. Allele origin: germline.
Comment: This variant is classified as likely benign based on ACMG/AMP sequence variant interpretation guidelines (Richards et al. 2015 PMID: 25741868, with internal and published modifications).